The following is an entry in ClinVar:

NM_001385641.1(SAMD11):c.2423C>T (p.Thr808Met)

Gene: SAMD11 (sterile alpha motif domain containing 11; plus strand). Cytogenetic location: 1p36.33.
Variant type: single nucleotide variant.
Coding change: c.2423C>T on transcript NM_001385641.1 (MANE Select); coding-DNA position 2423, C replaced by T.
Protein change: p.Thr808Met; replaces threonine 808 with methionine.
Molecular consequence: missense variant.
Genome position (GRCh38, 1-based): chr1:944,041, C>T. VCF-style: chr1-944041-C-T. GRCh37 (hg19) VCF-style: chr1-879421-C-T.
Other names: c.2426C>T, p.Thr809Met (NM_001385640.1); c.1934C>T, p.Thr645Met (NM_152486.4); c.1934C>T (NM_152486.2); short protein forms T645M, T809M, T808M.
Identifiers: ClinVar variation 1413548 (VCV001413548.9), dbSNP rs199998341, ClinGen allele CA503399.
Genomic context (GRCh38, chr1:944,041, plus strand): 5'-TGCGGGCCCCGGAGCGAGAACTCGGCACAGGAGAGCAGCCCTTGTCCCCCACGACGGCCA[C>T]GTCCCCCTATGGAGGGGGCCACGCCCTTGCCGGTCAAACTTCACCCAAGCAGGAGAATGG-3'
Protein context (NP_001372570.1, residues 798-818): GEQPLSPTTA[Thr808Met]SPYGGGHALA

ClinVar aggregate classification (germline): Uncertain significance. Review status: criteria provided, multiple submitters, no conflicts (2 of 4 stars). 2 submissions from 2 submitters: Uncertain significance (2). Last evaluated 2025-08-24.

Allele frequency attached by ClinVar (database versions not stated): gnomAD exomes 0.00003; ExAC 0.00004; gnomAD 0.00004 and 0.00005; TOPMed 0.00008.

Submissions (2):

Ambry Genetics
Classification: Uncertain significance. Last evaluated: 2025-08-24. Review status: criteria provided, single submitter. Criteria: Ambry Variant Classification Scheme 2023. Collection method: clinical testing. Allele origin: germline.

Labcorp Genetics (formerly Invitae), Labcorp
Classification: Uncertain significance. Last evaluated: 2022-08-23. Review status: criteria provided, single submitter. Criteria: Invitae Variant Classification Sherloc (09022015). Collection method: clinical testing. Allele origin: germline.
Comment: ClinVar contains an entry for this variant (Variation ID: 1413548). In summary, the available evidence is currently insufficient to determine the role of this variant in disease. Therefore, it has been classified as a Variant of Uncertain Significance. Algorithms developed to predict the effect of missense changes on protein structure and function are either unavailable or do not agree on the potential impact of this missense change (SIFT: "Deleterious"; PolyPhen-2: "Possibly Damaging"; Align-GVGD: "Class C0"). This variant has not been reported in the literature in individuals affected with SAMD11-related conditions. This variant is present in population databases (rs199998341, gnomAD 0.04%). This sequence change replaces threonine, which is neutral and polar, with methionine, which is neutral and non-polar, at codon 645 of the SAMD11 protein (p.Thr645Met).